The following is an entry in ClinVar:

ClinVar aggregate classification (germline): Uncertain significance. Review status: criteria provided, multiple submitters, no conflicts (2 of 4 stars). 2 submissions from 2 submitters: Uncertain significance (2). Last evaluated 2025-12-17.

Conditions:
Osteogenesis imperfecta type I (OI1). Also called: OI, TYPE I; OSTEOGENESIS IMPERFECTA TARDA; OSTEOGENESIS IMPERFECTA WITH BLUE SCLERAE; Osteogenesis imperfecta type 1; Lobstein's Disease; Lobstein disease. Identifiers: Orphanet 216796, Orphanet 666, MedGen C0023931, MONDO:0008146, OMIM 166200. Disease mechanism: loss of function.
COL1A1-related disorder. Also called: COL1A1- related disease; COL1A1-related condition.

Allele frequency attached by ClinVar (database versions not stated): gnomAD exomes below 0.00001; gnomAD 0.00001; TOPMed 0.00001.
gnomAD v4.1: 6 of 1,574,954 alleles (0.00038%); highest among the groups gnomAD compares: African/African-American, 0.0027%; no homozygotes.

Submissions (2):

Labcorp Genetics (formerly Invitae), Labcorp
Classification: Uncertain significance for Osteogenesis imperfecta type I. Last evaluated: 2025-12-17. Review status: criteria provided, single submitter. Criteria: Invitae Variant Classification Sherloc (09022015). Collection method: clinical testing. Allele origin: germline.
Comment: This sequence change replaces valine, which is neutral and non-polar, with isoleucine, which is neutral and non-polar, at codon 1078 of the COL1A1 protein (p.Val1078Ile). This variant is not present in population databases (gnomAD no frequency). This variant has not been reported in the literature in individuals affected with COL1A1-related conditions. ClinVar contains an entry for this variant (Variation ID: 2629880). Invitae Evidence Modeling of protein sequence and biophysical properties (such as structural, functional, and spatial information, amino acid conservation, physicochemical variation, residue mobility, and thermodynamic stability) indicates that this missense variant is not expected to disrupt COL1A1 protein function with a negative predictive value of 95%. In summary, the available evidence is currently insufficient to determine the role of this variant in disease. Therefore, it has been classified as a Variant of Uncertain Significance.

PreventionGenetics, part of Exact Sciences
Classification: Uncertain significance for COL1A1-related condition. Last evaluated: 2023-03-07. Review status: criteria provided, single submitter. Criteria: ACMG Guidelines, 2015. Collection method: clinical testing. Allele origin: germline.
Comment: The COL1A1 c.3232G>A variant is predicted to result in the amino acid substitution p.Val1078Ile. To our knowledge, this variant has not been reported in the literature or in a large population database, indicating this variant is rare. At this time, the clinical significance of this variant is uncertain due to the absence of conclusive functional and genetic evidence.

NM_000088.4(COL1A1):c.3232G>A (p.Val1078Ile)

Gene: COL1A1 (collagen type I alpha 1 chain; minus strand). Cytogenetic location: 17q21.33.
Variant type: single nucleotide variant.
Coding change: c.3232G>A on transcript NM_000088.4 (MANE Select); coding-DNA position 3232, G replaced by A.
Protein change: p.Val1078Ile; replaces valine 1078 with isoleucine.
Molecular consequence: missense variant.
Genome position (GRCh38, 1-based): chr17:50,188,125, C>T on the plus strand (G>A on the coding strand, the complement: COL1A1 is on the minus strand). VCF-style: chr17-50188125-C-T. GRCh37 (hg19) VCF-style: chr17-48265486-C-T.
Other names: short protein forms V1078I.
Identifiers: ClinVar variation 2629880 (VCV002629880.2), dbSNP rs1000721897, ClinGen allele CA291543017.